The following is an entry in ClinVar:

NM_015466.4(PTPN23):c.1493G>A (p.Trp498Ter)

Gene: PTPN23 (protein tyrosine phosphatase non-receptor type 23; plus strand). Cytogenetic location: 3p21.31.
Variant type: single nucleotide variant.
Coding change: c.1493G>A on transcript NM_015466.4 (MANE Select); coding-DNA position 1493, G replaced by A.
Protein change: p.Trp498Ter; replaces tryptophan 498 with a stop codon.
Molecular consequence: nonsense.
Genome position (GRCh38, 1-based): chr3:47,408,938, G>A. VCF-style: chr3-47408938-G-A. GRCh37 (hg19) VCF-style: chr3-47450428-G-A.
Other names: c.1115G>A, p.Trp372Ter (NM_001304482.2); short protein forms W372*, W498*.
Identifiers: ClinVar variation 2735374 (VCV002735374.3), dbSNP rs753073710, ClinGen allele CA2365745.

ClinVar aggregate classification (germline): Pathogenic (1 of 4 stars; one submission).

Allele frequency attached by ClinVar (database versions not stated): gnomAD exomes below 0.00001; ExAC 0.00001.
gnomAD v4.1: 1 of 1,614,244 alleles (0.000062%); highest among the groups gnomAD compares: Non-Finnish European, 0.000085%; no homozygotes.

Submission:

Labcorp Genetics (formerly Invitae), Labcorp
Classification: Pathogenic. Last evaluated: 2023-07-03. Review status: criteria provided, single submitter. Criteria: Invitae Variant Classification Sherloc (09022015). Collection method: clinical testing. Allele origin: germline.
Comment: For these reasons, this variant has been classified as Pathogenic. This variant has not been reported in the literature in individuals affected with PTPN23-related conditions. This variant is present in population databases (rs753073710, gnomAD 0.0009%). This sequence change creates a premature translational stop signal (p.Trp498*) in the PTPN23 gene. It is expected to result in an absent or disrupted protein product. Loss-of-function variants in PTPN23 are known to be pathogenic (PMID: 29090338, 29899372).

Literature cited by the submitters: PubMed 29090338; PubMed 29899372.